The following is an entry in ClinVar:

NM_000090.4(COL3A1):c.1348-2A>G

Gene: COL3A1 (collagen type III alpha 1 chain; plus strand). Cytogenetic location: 2q32.2.
Variant type: single nucleotide variant.
Coding change: c.1348-2A>G on transcript NM_000090.4 (MANE Select); the canonical splice acceptor site of the intron before coding-DNA position 1348, A replaced by G.
Molecular consequence: splice acceptor variant.
Genome position (GRCh38, 1-based): chr2:188,994,722, A>G. VCF-style: chr2-188994722-A-G. GRCh37 (hg19) VCF-style: chr2-189859448-A-G.
Identifiers: ClinVar variation 2907328 (VCV002907328.5), dbSNP rs2469130010, ClinGen allele CA349851725.
Genomic context (GRCh38, chr2:188,994,722, plus strand): 5'-TAAAAACTTTGAACTAAATTCAGTCATAATTTCTTTATTTTACCATCTTTTTTTTTTTTC[A>G]GGGTGAGGCTGGTATTCCAGGTGTTCCAGGAGCTAAAGGCGAAGATGGCAAGGATGGATC-3'

ClinVar aggregate classification (germline): Pathogenic/Likely pathogenic. Review status: criteria provided, multiple submitters, no conflicts (2 of 4 stars). 3 submissions from 3 submitters: Pathogenic (1); Likely pathogenic (2). Last evaluated 2025-07-01.

Conditions:
Familial thoracic aortic aneurysm and aortic dissection (TAAD). Also called: Thoracic aortic aneurysms and dissections. Identifiers: Orphanet 91387, MedGen C4707243, MONDO:0019625.
Ehlers-Danlos syndrome, type 4 (EDSVASC). Also called: Ehlers-Danlos syndrome vascular type; Ehlers Danlos syndrome, ecchymotic type; Ehlers Danlos syndrome, arterial type; Ehlers Danlos syndrome, Sack-Barabas type; Ehlers-Danlos Syndrome Type IV. Identifiers: Orphanet 286, MedGen C0268338, MONDO:0017314, OMIM 130050.

Submissions (3):

Labcorp Genetics (formerly Invitae), Labcorp
Classification: Pathogenic for Ehlers-Danlos syndrome, type 4. Last evaluated: 2025-07-01. Review status: criteria provided, single submitter. Criteria: Invitae Variant Classification Sherloc (09022015). Collection method: clinical testing. Allele origin: germline.
Comment: This sequence change affects an acceptor splice site in intron 19 of the COL3A1 gene. It is expected to disrupt RNA splicing. Variants that disrupt the donor or acceptor splice site typically lead to a loss of protein function (PMID: 16199547), and loss-of-function variants in COL3A1 are known to be pathogenic (PMID: 24922459). This variant is not present in population databases (gnomAD no frequency). Disruption of this splice site has been observed in individual(s) with vascular Ehlers-Danlos syndrome (PMID: 30474650, 31575845). In at least one individual the variant was observed to be de novo. ClinVar contains an entry for this variant (Variation ID: 2907328). Algorithms developed to predict the effect of sequence changes on RNA splicing suggest that this variant may disrupt the consensus splice site. For these reasons, this variant has been classified as Pathogenic.

All of Us Research Program, National Institutes of Health
Classification: Likely pathogenic for Ehlers-Danlos syndrome, type 4. Last evaluated: 2024-06-27. Review status: criteria provided, single submitter. Criteria: ACMG Guidelines, 2015. Collection method: clinical testing. Allele origin: germline. Inheritance: Autosomal dominant inheritance. Observed: 1 variant allele, 1 heterozygote.
Comment: This variant causes an A>G nucleotide substitution at the -2 position of intron 19 of the COL3A1 gene. Splice site prediction tools suggest that this variant may have a significant impact on RNA splicing. Although this prediction has not been confirmed in published RNA studies, this variant is expected to result in an absent or disrupted protein product. This variant has been reported in two individuals affected with vascular Ehlers Danlos syndrome (PMID: 30474650, 31575845), including one instance reported to occur as a de novo event (PMID: 30474650). This variant has not been identified in the general population by the Genome Aggregation Database (gnomAD). Loss of COL3A1 function is a known mechanism of disease. Based on the available evidence, this variant is classified as Likely Pathogenic.

This study involves interpretation of variants in research participants for the purpose of population health screening. Participant phenotype was not available at the time of variant classification. Additional details can be found in publication PMID: 35346344, PMCID: PMC8962531

Color Diagnostics, LLC DBA Color Health
Classification: Likely pathogenic for Familial thoracic aortic aneurysm and aortic dissection. Last evaluated: 2024-03-28. Review status: criteria provided, single submitter. Criteria: ACMG Guidelines, 2015. Collection method: clinical testing. Allele origin: germline.
Comment: This variant causes an A>G nucleotide substitution at the -2 position of intron 19 of the COL3A1 gene. Splice site prediction tools suggest that this variant may have a significant impact on RNA splicing. Although this prediction has not been confirmed in published RNA studies, this variant is expected to result in an absent or disrupted protein product. This variant has been reported in two individuals affected with vascular Ehlers Danlos syndrome (PMID: 30474650, 31575845), including one instance reported to occur as a de novo event (PMID: 30474650). This variant has not been identified in the general population by the Genome Aggregation Database (gnomAD). Loss of COL3A1 function is a known mechanism of disease. Based on the available evidence, this variant is classified as Likely Pathogenic.

Literature cited by the submitters: PubMed 16199547 (cited by Labcorp Genetics (formerly Invitae), Labcorp); PubMed 24922459 (cited by Labcorp Genetics (formerly Invitae), Labcorp); PubMed 30474650 (cited by 3 submitters); PubMed 31575845 (cited by 3 submitters).